The following is an entry in ClinVar:

NM_014319.5(LEMD3):c.1033G>A (p.Gly345Arg)

Gene: LEMD3 (LEM domain containing 3; plus strand). Cytogenetic location: 12q14.3.
Variant type: single nucleotide variant.
Coding change: c.1033G>A on transcript NM_014319.5 (MANE Select); coding-DNA position 1033, G replaced by A.
Protein change: p.Gly345Arg; replaces glycine 345 with arginine.
Molecular consequence: missense variant.
Genome position (GRCh38, 1-based): chr12:65,170,629, G>A. VCF-style: chr12-65170629-G-A. GRCh37 (hg19) VCF-style: chr12-65564409-G-A.
Other names: c.1033G>A, p.Gly345Arg (NM_001167614.2); short protein forms G345R.
Identifiers: ClinVar variation 1720282 (VCV001720282.5), dbSNP rs1868509734, ClinGen allele CA385674797.

ClinVar aggregate classification (germline): Uncertain significance (1 of 4 stars; one submission).

Allele frequency attached by ClinVar (database versions not stated): TOPMed below 0.00001.

Submission:

Labcorp Genetics (formerly Invitae), Labcorp
Classification: Uncertain significance. Last evaluated: 2023-01-06. Review status: criteria provided, single submitter. Criteria: Invitae Variant Classification Sherloc (09022015). Collection method: clinical testing. Allele origin: germline.
Comment: This variant is not present in population databases (gnomAD no frequency). In summary, the available evidence is currently insufficient to determine the role of this variant in disease. Therefore, it has been classified as a Variant of Uncertain Significance. Advanced modeling of protein sequence and biophysical properties (such as structural, functional, and spatial information, amino acid conservation, physicochemical variation, residue mobility, and thermodynamic stability) performed at Invitae indicates that this missense variant is not expected to disrupt LEMD3 protein function. ClinVar contains an entry for this variant (Variation ID: 1720282). This variant has not been reported in the literature in individuals affected with LEMD3-related conditions. This sequence change replaces glycine, which is neutral and non-polar, with arginine, which is basic and polar, at codon 345 of the LEMD3 protein (p.Gly345Arg).